The following is an entry in ClinVar:

NM_004369.4(COL6A3):c.4921G>A (p.Val1641Met)

Gene: COL6A3 (collagen type VI alpha 3 chain; minus strand). Cytogenetic location: 2q37.3.
Variant type: single nucleotide variant.
Coding change: c.4921G>A on transcript NM_004369.4 (MANE Select); coding-DNA position 4921, G replaced by A.
Protein change: p.Val1641Met; replaces valine 1641 with methionine.
Molecular consequence: missense variant.
Genome position (GRCh38, 1-based): chr2:237,367,266, C>T on the plus strand (G>A on the coding strand, the complement: COL6A3 is on the minus strand). VCF-style: chr2-237367266-C-T. GRCh37 (hg19) VCF-style: chr2-238275909-C-T.
Other names: c.3100G>A, p.Val1034Met (NM_057166.5); c.4303G>A, p.Val1435Met (NM_057167.4); short protein forms V1435M, V1641M, V1034M.
Identifiers: ClinVar variation 2825905 (VCV002825905.3), dbSNP rs1445364711, ClinGen allele CA351190194.

ClinVar aggregate classification (germline): Uncertain significance (1 of 4 stars; one submission).

Conditions:
Bethlem myopathy 1A. Also called: Bethlem myopathy 1; MYOPATHY, BENIGN CONGENITAL, WITH CONTRACTURES; Bethlem Muscular Dystrophy. Identifiers: Orphanet 610, MedGen CN029274, MONDO:0024530, OMIM 158810.

Submission:

Labcorp Genetics (formerly Invitae), Labcorp
Classification: Uncertain significance for Bethlem myopathy 1A. Last evaluated: 2023-10-27. Review status: criteria provided, single submitter. Criteria: Invitae Variant Classification Sherloc (09022015). Collection method: clinical testing. Allele origin: germline.
Comment: This sequence change replaces valine, which is neutral and non-polar, with methionine, which is neutral and non-polar, at codon 1641 of the COL6A3 protein (p.Val1641Met). This variant is not present in population databases (gnomAD no frequency). This variant has not been reported in the literature in individuals affected with COL6A3-related conditions. Advanced modeling of protein sequence and biophysical properties (such as structural, functional, and spatial information, amino acid conservation, physicochemical variation, residue mobility, and thermodynamic stability) performed at Invitae indicates that this missense variant is expected to disrupt COL6A3 protein function with a positive predictive value of 80%. In summary, the available evidence is currently insufficient to determine the role of this variant in disease. Therefore, it has been classified as a Variant of Uncertain Significance.